The following is an entry in ClinVar:

ClinVar aggregate classification (germline): Uncertain significance (1 of 4 stars; one submission).

Conditions:
Cardiomyopathy (CMYO). Also called: Cardiomyopathies. Identifiers: Orphanet 167848, MedGen C0878544, MONDO:0004994, HP:0001638. Inheritance: Various modes of inheritance.

Allele frequency attached by ClinVar (database versions not stated): gnomAD 0.00001; TOPMed 0.00002.
gnomAD v4.1: 3 of 1,612,656 alleles (0.00019%); highest among the groups gnomAD compares: Middle Eastern, 0.017%; no homozygotes.

Submission:

Color Diagnostics, LLC DBA Color Health
Classification: Uncertain significance for Cardiomyopathy. Last evaluated: 2024-03-06. Review status: criteria provided, single submitter. Criteria: ACMG Guidelines, 2015. Collection method: clinical testing. Allele origin: germline.
Comment: This missense variant replaces arginine with glycine at codon 1391 of the RYR2 protein. Computational prediction tool is inconclusive regarding the impact of this variant on protein structure and function (internally defined REVEL score threshold 0.5 < inconclusive < 0.7, PMID: 27666373). Splice site prediction tools suggest that this variant may not impact RNA splicing. To our knowledge, functional studies have not been performed for this variant. This variant has not been reported in individuals affected with cardiovascular disorders in the literature. This variant has been identified in 1/247370 chromosomes in the general population by the Genome Aggregation Database (gnomAD). The available evidence is insufficient to determine the role of this variant in disease conclusively. Therefore, this variant is classified as a Variant of Uncertain Significance.

NM_001035.3(RYR2):c.4171A>G (p.Arg1391Gly)

Gene: RYR2 (ryanodine receptor 2; plus strand). Cytogenetic location: 1q43.
Variant type: single nucleotide variant.
Coding change: c.4171A>G on transcript NM_001035.3 (MANE Select); coding-DNA position 4171, A replaced by G.
Protein change: p.Arg1391Gly; replaces arginine 1391 with glycine.
Molecular consequence: missense variant.
Genome position (GRCh38, 1-based): chr1:237,591,749, A>G. VCF-style: chr1-237591749-A-G. GRCh37 (hg19) VCF-style: chr1-237755049-A-G.
Other names: short protein forms R1391G.
Identifiers: ClinVar variation 925386 (VCV000925386.4), dbSNP rs371561223, ClinGen allele CA345398272.